The following is an entry in ClinVar:

ClinVar aggregate classification (germline): Uncertain significance (1 of 4 stars; one submission).

Allele frequency attached by ClinVar (database versions not stated): TOPMed below 0.00001; ExAC 0.00001; gnomAD exomes 0.00001.
gnomAD v4.1: 3 of 1,612,012 alleles (0.00019%); highest among the groups gnomAD compares: Middle Eastern, 0.016%; no homozygotes.

Submission:

Labcorp Genetics (formerly Invitae), Labcorp
Classification: Uncertain significance. Last evaluated: 2022-06-04. Review status: criteria provided, single submitter. Criteria: Invitae Variant Classification Sherloc (09022015). Collection method: clinical testing. Allele origin: germline.
Comment: In summary, the available evidence is currently insufficient to determine the role of this variant in disease. Therefore, it has been classified as a Variant of Uncertain Significance. Algorithms developed to predict the effect of missense changes on protein structure and function are either unavailable or do not agree on the potential impact of this missense change (SIFT: "Deleterious"; PolyPhen-2: "Probably Damaging"; Align-GVGD: "Class C0"). This variant has not been reported in the literature in individuals affected with LIG1-related conditions. This variant is present in population databases (rs758090395, gnomAD 0.002%). This sequence change replaces serine, which is neutral and polar, with asparagine, which is neutral and polar, at codon 386 of the LIG1 protein (p.Ser386Asn).

NM_000234.3(LIG1):c.1157G>A (p.Ser386Asn)

Gene: LIG1 (DNA ligase 1; minus strand). Cytogenetic location: 19q13.33.
Variant type: single nucleotide variant.
Coding change: c.1157G>A on transcript NM_000234.3 (MANE Select); coding-DNA position 1157, G replaced by A.
Protein change: p.Ser386Asn; replaces serine 386 with asparagine.
Molecular consequence: missense variant. On other transcripts: non-coding transcript variant (6).
Genome position (GRCh38, 1-based): chr19:48,137,619, C>T on the plus strand (G>A on the coding strand, the complement: LIG1 is on the minus strand). VCF-style: chr19-48137619-C-T. GRCh37 (hg19) VCF-style: chr19-48640876-C-T.
Other names: c.1064G>A, p.Ser355Asn (NM_001289063.2); c.953G>A, p.Ser318Asn (NM_001289064.2); c.1154G>A, p.Ser385Asn (NM_001320970.2); c.1067G>A, p.Ser356Asn (NM_001320971.2); short protein forms S355N, S318N, S385N, S356N, S386N.
Identifiers: ClinVar variation 1961497 (VCV001961497.3), dbSNP rs758090395, ClinGen allele CA9546936.